The following is an entry in ClinVar:

NM_001042492.3(NF1):c.8066del (p.Val2689fs)

Gene: NF1 (neurofibromin 1; plus strand). Cytogenetic location: 17q11.2.
Variant type: Deletion.
Coding change: c.8066del on transcript NM_001042492.3 (MANE Select); coding-DNA position 8066, one base deleted (T; older notation c.8066delT).
Protein change: p.Val2689fs; shifts the reading frame from valine 2689.
Molecular consequence: frameshift variant.
Genome position (GRCh38, 1-based): chr17:31,358,575, T deleted. VCF-style (leftmost placement, unchanged base first): chr17-31358574-GT-G. GRCh37 (hg19) VCF-style: chr17-29685592-GT-G.
Other names: c.8003delT (NM_000267.3); c.8003delT, p.Val2668Glyfs (NM_000267.4); short protein forms V2668fs, V2689fs.
Identifiers: ClinVar variation 457864 (VCV000457864.5), dbSNP rs1555536923, ClinGen allele CA658658608.

ClinVar aggregate classification (germline): Pathogenic (1 of 4 stars; one submission).

Conditions:
Neurofibromatosis, type 1 (NF1). Also called: VON RECKLINGHAUSEN DISEASE; NEUROFIBROMATOSIS, TYPE I, SOMATIC; Peripheral type neurofibromatosis; Neurofibromatosis, type I. Identifiers: Orphanet 636, MedGen C0027831, MONDO:0018975, OMIM 162200. Disease mechanism: loss of function.

Submission:

Labcorp Genetics (formerly Invitae), Labcorp
Classification: Pathogenic for Neurofibromatosis, type 1. Last evaluated: 2017-01-05. Review status: criteria provided, single submitter. Criteria: Invitae Variant Classification Sherloc (09022015). Collection method: clinical testing. Allele origin: germline.
Comment: This sequence change deletes 1 nucleotide from exon 54 of the NF1 mRNA (c.8003delT), causing a frameshift at codon 2668. This creates a premature translational stop signal (p.Val2668Glyfs*50) and is expected to result in an absent or disrupted protein product. For these reasons, this variant has been classified as Pathogenic. While this particular variant has not been reported in the literature, loss-of-function variants in NF1 are known to be pathogenic (PMID: 10712197, 23913538).

Literature cited by the submitters: PubMed 10712197; PubMed 23913538.